The following is an entry in ClinVar:

ClinVar aggregate classification (germline): Pathogenic. Review status: criteria provided, single submitter (1 of 4 stars). 3 submissions from 3 submitters: Pathogenic (1). 2 of the submissions do not count toward it. Last evaluated 2024-05-24.

Conditions:
PRPH2-related disorder. Also called: PRPH2-related condition; PRPH2-related disorders. Identifiers: MedGen CN239395.

gnomAD v4.1: 1 of 1,614,162 alleles (0.000062%); no homozygotes.

Submissions (3):

Labcorp Genetics (formerly Invitae), Labcorp
Classification: Pathogenic for PRPH2-related disorder. Last evaluated: 2024-05-24. Review status: criteria provided, single submitter. Criteria: Invitae Variant Classification Sherloc (09022015). Collection method: clinical testing. Allele origin: germline.
Comment: This sequence change replaces cysteine, which is neutral and slightly polar, with tyrosine, which is neutral and polar, at codon 214 of the PRPH2 protein (p.Cys214Tyr). This variant is not present in population databases (gnomAD no frequency). This missense change has been observed in individuals with autosomal dominant PRPH2-related conditions (PMID: 11139263, 34327195). ClinVar contains an entry for this variant (Variation ID: 98693). Advanced modeling of protein sequence and biophysical properties (such as structural, functional, and spatial information, amino acid conservation, physicochemical variation, residue mobility, and thermodynamic stability) performed at Invitae indicates that this missense variant is expected to disrupt PRPH2 protein function with a positive predictive value of 95%. This variant disrupts the p.Cys214 amino acid residue in PRPH2. Other variant(s) that disrupt this residue have been determined to be pathogenic (PMID: 8244346, 12925772, 26796962). This suggests that this residue is clinically significant, and that variants that disrupt this residue are likely to be disease-causing. For these reasons, this variant has been classified as Pathogenic.

Leiden Open Variation Database
Classification: Likely pathogenic. Last evaluated: 2021-04-06. Review status: no assertion criteria provided. Collection method: curation. Allele origin: germline. Affected: yes. Not counted in ClinVar's aggregate classification.
Comment: Curator: Global Variome, with Curator vacancy. Submitter to LOVD: Manon Peeters.

Retina International
No classification provided. Review status: no classification provided. Collection method: not provided. Allele origin: not provided. Not counted in ClinVar's aggregate classification.

Literature cited by the submitters: PubMed 11139263 (cited by Labcorp Genetics (formerly Invitae), Labcorp and Leiden Open Variation Database); PubMed 34327195 (cited by Labcorp Genetics (formerly Invitae), Labcorp); PubMed 8244346 (cited by Labcorp Genetics (formerly Invitae), Labcorp); PubMed 12925772 (cited by Labcorp Genetics (formerly Invitae), Labcorp); PubMed 26796962 (cited by Labcorp Genetics (formerly Invitae), Labcorp); PubMed 17653047 (cited by Leiden Open Variation Database); PubMed 26321861 (cited by Leiden Open Variation Database).

NM_000322.5(PRPH2):c.641G>A (p.Cys214Tyr)

Gene: PRPH2 (peripherin 2; minus strand). Cytogenetic location: 6p21.1.
Variant type: single nucleotide variant.
Coding change: c.641G>A on transcript NM_000322.5 (MANE Select); coding-DNA position 641, G replaced by A.
Protein change: p.Cys214Tyr; replaces cysteine 214 with tyrosine.
Molecular consequence: missense variant.
Genome position (GRCh38, 1-based): chr6:42,704,552, C>T on the plus strand (G>A on the coding strand, the complement: PRPH2 is on the minus strand). VCF-style: chr6-42704552-C-T. GRCh37 (hg19) VCF-style: chr6-42672290-C-T.
Other names: short protein forms C214Y.
Identifiers: ClinVar variation 98693 (VCV000098693.4), dbSNP rs61755804, ClinGen allele CA226279.